The following is an entry in ClinVar:

ClinVar aggregate classification (germline): Uncertain significance (1 of 4 stars; one submission).

Conditions:
Deficiency of 2-methylbutyryl-CoA dehydrogenase (ACADSB). Also called: 2-methylbutyrylglycinuria; 2-methylbutyryl-CoA dehydrogenase deficiency; SBCAD deficiency; 2-methylbutyric aciduria; Short branched-chain acyl-CoA dehydrogenase deficiency. Identifiers: Orphanet 79157, MedGen C1864912, MONDO:0012392, OMIM 610006, HP:0020147.

Submission:

Labcorp Genetics (formerly Invitae), Labcorp
Classification: Uncertain significance for Deficiency of 2-methylbutyryl-CoA dehydrogenase. Last evaluated: 2020-02-29. Review status: criteria provided, single submitter. Criteria: Invitae Variant Classification Sherloc (09022015). Collection method: clinical testing. Allele origin: germline.
Comment: In summary, the available evidence is currently insufficient to determine the role of this variant in disease. Therefore, it has been classified as a Variant of Uncertain Significance. Algorithms developed to predict the effect of missense changes on protein structure and function do not agree on the potential impact of this missense change (SIFT: "Deleterious"; PolyPhen-2: "Probably Damaging"; Align-GVGD: "Class C15"). This variant has been observed in an individuals with 2-methylbutyryl-coenzyme A dehydrogenase deficiency (Invitae). This variant is not present in population databases (ExAC no frequency). This sequence change replaces glycine with arginine at codon 112 of the ACADSB protein (p.Gly112Arg). The glycine residue is highly conserved and there is a moderate physicochemical difference between glycine and arginine.

NM_001609.4(ACADSB):c.334G>A (p.Gly112Arg)

Gene: ACADSB (acyl-CoA dehydrogenase short/branched chain; plus strand). Cytogenetic location: 10q26.13.
Variant type: single nucleotide variant.
Coding change: c.334G>A on transcript NM_001609.4 (MANE Select); coding-DNA position 334, G replaced by A.
Protein change: p.Gly112Arg; replaces glycine 112 with arginine.
Molecular consequence: missense variant.
Genome position (GRCh38, 1-based): chr10:123,040,496, G>A. VCF-style: chr10-123040496-G-A. GRCh37 (hg19) VCF-style: chr10-124800012-G-A.
Other names: c.28G>A, p.Gly10Arg (NM_001330174.3); short protein forms G112R, G10R.
Identifiers: ClinVar variation 574583 (VCV000574583.9), dbSNP rs1564751382, ClinGen allele CA378617619.